The following is an entry in ClinVar:

ClinVar aggregate classification (germline): Uncertain significance (1 of 4 stars; one submission).

Conditions:
Neurodevelopmental disorder with behavioral abnormalities, absent speech, and hypotonia. Identifiers: MedGen C5231471, MONDO:0032878, OMIM 618718.

Submission:

Victorian Clinical Genetics Services, Murdoch Childrens Research Institute
Classification: Uncertain significance for Neurodevelopmental disorder with behavioral abnormalities, absent speech, and hypotonia. Last evaluated: 2020-06-11. Review status: criteria provided, single submitter. Criteria: ACMG Guidelines, 2015. Collection method: clinical testing. Allele origin: germline. Inheritance: Autosomal recessive inheritance. Affected: yes.
Comment: Based on the classification scheme VCGS_Germline_v1.1.1, this variant is classified as VUS - 3C. Following criteria are met: 0102 - Loss-of-function is a known mechanism of disease for this gene. (N) 0106 - This gene is known to be associated with autosomal recessive disease. (N) 0200 - Variant is predicted to result in a missense amino acid change from asparagine to histidine (exon 4). (N) 0252 - Variant is homozygous. (N) 0301 - Variant is absent from gnomAD. (P) 0503 - Missense variant consistently predicted to be tolerated or not conserved in mammals with a minor amino acid change. (B) 0600 - Variant is located in an annotated domain or motif, (EGF laminin domain; NCBI). (N) 0705 - No comparable variants have previous evidence for pathogenicity. (N) 0807 - Variant has not previously been reported in a clinical context. (N) 0905 - No segregation evidence has been identified for this variant. (N) 1007 - No published functional evidence has been identified for this variant. (N) Legend: (P) - Pathogenic, (N) - Neutral, (B) - Benign

NM_032536.4(NTNG2):c.964A>C (p.Asn322His)

Gene: NTNG2 (netrin G2; plus strand). Cytogenetic location: 9q34.13.
Variant type: single nucleotide variant.
Coding change: c.964A>C on transcript NM_032536.4 (MANE Select); coding-DNA position 964, A replaced by C.
Protein change: p.Asn322His; replaces asparagine 322 with histidine.
Molecular consequence: missense variant.
Genome position (GRCh38, 1-based): chr9:132,226,955, A>C. VCF-style: chr9-132226955-A-C. GRCh37 (hg19) VCF-style: chr9-135102342-A-C.
Other names: short protein forms N322H.
Identifiers: ClinVar variation 2500771 (VCV002500771.2), dbSNP rs2538670049, ClinGen allele CA375332040.